The following is an entry in ClinVar:

ClinVar aggregate classification (germline): Likely benign (0 of 4 stars; one submission).

Conditions:
CD36-related disorder. Also called: CD36-related condition; CD36-related disorders.

gnomAD v4.1: 174 of 1,613,230 alleles (0.011%); highest among the groups gnomAD compares: African/African-American, 0.2%; no homozygotes.

Submission:

PreventionGenetics, part of Exact Sciences
Classification: Likely benign for CD36-related condition. Last evaluated: 2024-07-08. Review status: no assertion criteria provided. Collection method: clinical testing. Allele origin: germline.
Comment: This variant is classified as likely benign based on ACMG/AMP sequence variant interpretation guidelines (Richards et al. 2015 PMID: 25741868, with internal and published modifications).

NM_001001548.3(CD36):c.844G>A (p.Asp282Asn)

Gene: CD36 (CD36 molecule (CD36 blood group); plus strand). Cytogenetic location: 7q21.11.
Variant type: single nucleotide variant.
Coding change: c.844G>A on transcript NM_001001548.3 (MANE Select); coding-DNA position 844, G replaced by A.
Protein change: p.Asp282Asn; replaces aspartic acid 282 with asparagine.
Molecular consequence: missense variant.
Genome position (GRCh38, 1-based): chr7:80,671,002, G>A. VCF-style: chr7-80671002-G-A. GRCh37 (hg19) VCF-style: chr7-80300318-G-A.
Other names: c.844G>A, p.Asp282Asn (NM_000072.3, NM_001001547.3, NM_001127443.2 and 5 more transcripts); c.727G>A, p.Asp243Asn (NM_001289908.1); c.664G>A, p.Asp222Asn (NM_001289909.1); c.616G>A, p.Asp206Asn (NM_001289911.2); c.742G>A, p.Asp248Asn (NM_001371079.1); c.379G>A, p.Asp127Asn (NM_001371080.1, NM_001371081.1); short protein forms D127N, D206N, D222N, D243N, D248N, D282N.
Identifiers: ClinVar variation 3352752 (VCV003352752.1).